The following is an entry in ClinVar:

NM_002465.4(MYBPC1):c.524T>C (p.Phe175Ser)

Gene: MYBPC1 (myosin binding protein C1; plus strand). Cytogenetic location: 12q23.2.
Variant type: single nucleotide variant.
Coding change: c.524T>C on transcript NM_002465.4 (MANE Select); coding-DNA position 524, T replaced by C.
Protein change: p.Phe175Ser; replaces phenylalanine 175 with serine.
Molecular consequence: missense variant.
Genome position (GRCh38, 1-based): chr12:101,632,106, T>C. VCF-style: chr12-101632106-T-C. GRCh37 (hg19) VCF-style: chr12-102025884-T-C.
Other names: c.449T>C, p.Phe150Ser (NM_001254718.3, NM_001254719.3, NM_001254721.3 and 4 more transcripts); c.413T>C, p.Phe138Ser (NM_001254720.3); c.371T>C, p.Phe124Ser (NM_001254722.3, NM_001404677.1, NM_001404679.1 and 2 more transcripts); c.410T>C, p.Phe137Ser (NM_001254723.3); c.524T>C, p.Phe175Ser (NM_001404675.1, NM_206819.4); short protein forms F138S, F175S, F124S, F137S, F150S.
Identifiers: ClinVar variation 722202 (VCV000722202.8), dbSNP rs546207140, ClinGen allele CA6744536.

ClinVar aggregate classification (germline): Conflicting classifications of pathogenicity. Review status: criteria provided, conflicting classifications (1 of 4 stars). 3 submissions from 3 submitters: Uncertain significance (1); Likely benign (1). 1 of the submissions does not count toward it. Last evaluated 2024-06-10.

Conditions:
MYBPC1-related disorder. Also called: MYBPC1-related condition.

Allele frequency attached by ClinVar (database versions not stated): TOPMed 0.00004; ExAC 0.00087; 1000 Genomes Project 30x 0.00141; gnomAD 0.00028 and below 0.00001; gnomAD exomes 0.00035 and 0.00084; 1000 Genomes Project 0.00160.
gnomAD v4.1: 575 of 1,613,562 alleles (0.036%); highest among the groups gnomAD compares: South Asian, 0.58%; 6 homozygotes.

Submissions (3):

Revvity Omics, Revvity
Classification: Uncertain significance. Last evaluated: 2024-06-10. Review status: criteria provided, single submitter. Criteria: ACMG Guidelines, 2015. Collection method: clinical testing. Allele origin: germline.

Labcorp Genetics (formerly Invitae), Labcorp
Classification: Likely benign. Last evaluated: 2017-12-29. Review status: criteria provided, single submitter. Criteria: Invitae Variant Classification Sherloc (09022015). Collection method: clinical testing. Allele origin: germline.

PreventionGenetics, part of Exact Sciences
Classification: Likely benign for MYBPC1-related condition. Last evaluated: 2021-03-09. Review status: no assertion criteria provided. Collection method: clinical testing. Allele origin: germline. Not counted in ClinVar's aggregate classification.
Comment: This variant is classified as likely benign based on ACMG/AMP sequence variant interpretation guidelines (Richards et al. 2015 PMID: 25741868, with internal and published modifications).